The following is an entry in ClinVar:

NM_205861.3(DHDDS):c.399G>C (p.Glu133Asp)

Gene: DHDDS (dehydrodolichyl diphosphate synthase subunit; plus strand). Cytogenetic location: 1p36.11.
Variant type: single nucleotide variant.
Coding change: c.399G>C on transcript NM_205861.3 (MANE Select); coding-DNA position 399, G replaced by C.
Protein change: p.Glu133Asp; replaces glutamic acid 133 with aspartic acid.
Molecular consequence: missense variant. On other transcripts: intron variant (1).
Genome position (GRCh38, 1-based): chr1:26,446,391, G>C. VCF-style: chr1-26446391-G-C. GRCh37 (hg19) VCF-style: chr1-26772882-G-C.
Other names: c.399G>C, p.Glu133Asp (NM_001243564.2, NM_024887.4); c.120G>C, p.Glu40Asp (NM_001319959.2); c.324-1168G>C (NM_001243565.2); short protein forms E133D, E40D.
Identifiers: ClinVar variation 999955 (VCV000999955.10), dbSNP rs2075268700, ClinGen allele CA339142690.

ClinVar aggregate classification (germline): Uncertain significance (1 of 4 stars; one submission).

Conditions:
Retinitis pigmentosa 59 (RP59). Identifiers: Orphanet 791, MedGen C3151227, MONDO:0013468, OMIM 613861.

Submission:

Labcorp Genetics (formerly Invitae), Labcorp
Classification: Uncertain significance for Retinitis pigmentosa 59. Last evaluated: 2022-03-03. Review status: criteria provided, single submitter. Criteria: Invitae Variant Classification Sherloc (09022015). Collection method: clinical testing. Allele origin: germline.
Comment: In summary, the available evidence is currently insufficient to determine the role of this variant in disease. Therefore, it has been classified as a Variant of Uncertain Significance. Algorithms developed to predict the effect of missense changes on protein structure and function (SIFT, PolyPhen-2, Align-GVGD) all suggest that this variant is likely to be tolerated. ClinVar contains an entry for this variant (Variation ID: 999955). This variant has not been reported in the literature in individuals affected with DHDDS-related conditions. This variant is not present in population databases (gnomAD no frequency). This sequence change replaces glutamic acid, which is acidic and polar, with aspartic acid, which is acidic and polar, at codon 133 of the DHDDS protein (p.Glu133Asp).